The following is an entry in ClinVar:

NM_000718.4(CACNA1B):c.6089G>A (p.Arg2030His)

Gene: CACNA1B (calcium voltage-gated channel subunit alpha1 B; plus strand). Cytogenetic location: 9q34.3.
Variant type: single nucleotide variant.
Coding change: c.6089G>A on transcript NM_000718.4 (MANE Select); coding-DNA position 6089, G replaced by A.
Protein change: p.Arg2030His; replaces arginine 2030 with histidine.
Molecular consequence: missense variant.
Genome position (GRCh38, 1-based): chr9:138,120,223, G>A. VCF-style: chr9-138120223-G-A. GRCh37 (hg19) VCF-style: chr9-141014675-G-A.
Other names: c.6089G>A, p.Arg2030His (NM_001243812.2); c.6089G>A (NM_000718.3); short protein forms R2030H.
Identifiers: ClinVar variation 2160100 (VCV002160100.3), dbSNP rs200721739, ClinGen allele CA5377604.

ClinVar aggregate classification (germline): Conflicting classifications of pathogenicity. Review status: criteria provided, conflicting classifications (1 of 4 stars). 2 submissions from 2 submitters: Uncertain significance (1); Likely benign (1). Last evaluated 2023-02-15.

Allele frequency attached by ClinVar (database versions not stated): ExAC 0.00007; gnomAD 0.00009.
gnomAD v4.1: 50 of 1,608,552 alleles (0.0031%); highest among the groups gnomAD compares: Admixed American, 0.03%; no homozygotes.

Submissions (2):

Ambry Genetics
Classification: Likely benign. Last evaluated: 2023-02-15. Review status: criteria provided, single submitter. Criteria: Ambry Variant Classification Scheme 2023. Collection method: clinical testing. Allele origin: germline.

Labcorp Genetics (formerly Invitae), Labcorp
Classification: Uncertain significance. Last evaluated: 2022-06-11. Review status: criteria provided, single submitter. Criteria: Invitae Variant Classification Sherloc (09022015). Collection method: clinical testing. Allele origin: germline.
Comment: This sequence change replaces arginine, which is basic and polar, with histidine, which is basic and polar, at codon 2030 of the CACNA1B protein (p.Arg2030His). This variant is present in population databases (rs200721739, gnomAD 0.02%). This variant has not been reported in the literature in individuals affected with CACNA1B-related conditions. Advanced modeling of protein sequence and biophysical properties (such as structural, functional, and spatial information, amino acid conservation, physicochemical variation, residue mobility, and thermodynamic stability) performed at Invitae indicates that this missense variant is not expected to disrupt CACNA1B protein function. Algorithms developed to predict the effect of sequence changes on RNA splicing suggest that this variant may create or strengthen a splice site. In summary, the available evidence is currently insufficient to determine the role of this variant in disease. Therefore, it has been classified as a Variant of Uncertain Significance.